The following is an entry in ClinVar:

ClinVar aggregate classification (germline): Uncertain significance (1 of 4 stars; one submission).

Conditions:
Neonatal-onset encephalopathy with rigidity and seizures. Also called: Lethal neonatal spasticity-epileptic encephalopathy syndrome. Identifiers: Orphanet 435845, MedGen C3281029, MONDO:0013784, OMIM 614498.

Allele frequency attached by ClinVar (database versions not stated): gnomAD exomes below 0.00001; ExAC 0.00001; gnomAD 0.00001.
gnomAD v4.1: 1 of 1,609,494 alleles (0.000062%); highest among the groups gnomAD compares: Non-Finnish European, 0.000085%; no homozygotes.

Submission:

Labcorp Genetics (formerly Invitae), Labcorp
Classification: Uncertain significance for Neonatal-onset encephalopathy with rigidity and seizures. Last evaluated: 2021-08-13. Review status: criteria provided, single submitter. Criteria: Invitae Variant Classification Sherloc (09022015). Collection method: clinical testing. Allele origin: germline.
Comment: This sequence change replaces valine with methionine at codon 772 of the BRAT1 protein (p.Val772Met). The valine residue is moderately conserved and there is a small physicochemical difference between valine and methionine. This variant is present in population databases (rs759775503, ExAC 0.002%). This variant has not been reported in the literature in individuals affected with BRAT1-related conditions. Algorithms developed to predict the effect of missense changes on protein structure and function output the following: SIFT: "Tolerated"; PolyPhen-2: "Benign"; Align-GVGD: "Class C0". The methionine amino acid residue is found in multiple mammalian species, which suggests that this missense change does not adversely affect protein function. In summary, the available evidence is currently insufficient to determine the role of this variant in disease. Therefore, it has been classified as a Variant of Uncertain Significance.

NM_152743.4(BRAT1):c.2314G>A (p.Val772Met)

Gene: BRAT1 (BRCA1 associated ATM activator 1; minus strand). Cytogenetic location: 7p22.3.
Variant type: single nucleotide variant.
Coding change: c.2314G>A on transcript NM_152743.4 (MANE Select); coding-DNA position 2314, G replaced by A.
Protein change: p.Val772Met; replaces valine 772 with methionine.
Molecular consequence: missense variant. On other transcripts: non-coding transcript variant (1).
Genome position (GRCh38, 1-based): chr7:2,538,221, C>T on the plus strand (G>A on the coding strand, the complement: BRAT1 is on the minus strand). VCF-style: chr7-2538221-C-T. GRCh37 (hg19) VCF-style: chr7-2577855-C-T.
Other names: c.2494G>A, p.Val832Met (NM_001350626.2); c.1789G>A, p.Val597Met (NM_001350627.2); short protein forms V597M, V772M, V832M.
Identifiers: ClinVar variation 1061419 (VCV001061419.6), dbSNP rs759775503, ClinGen allele CA4127392.